The following is an entry in ClinVar:

NM_001002294.3(FMO3):c.112G>T (p.Gly38Trp)

Gene: FMO3 (flavin containing dimethylaniline monoxygenase 3; plus strand). Cytogenetic location: 1q24.3.
Variant type: single nucleotide variant.
Coding change: c.112G>T on transcript NM_001002294.3 (MANE Select); coding-DNA position 112, G replaced by T.
Protein change: p.Gly38Trp; replaces glycine 38 with tryptophan.
Molecular consequence: missense variant. On other transcripts: 5 prime UTR variant (1).
Genome position (GRCh38, 1-based): chr1:171,092,770, G>T. VCF-style: chr1-171092770-G-T. GRCh37 (hg19) VCF-style: chr1-171061911-G-T.
Other names: c.-76G>T (NM_001319173.2); c.112G>T, p.Gly38Trp (NM_001319174.2, NM_006894.6); short protein forms G38W.
Identifiers: ClinVar variation 3366476 (VCV003366476.1).

ClinVar aggregate classification (germline): Uncertain significance (1 of 4 stars; one submission).

Submission:

Women's Health and Genetics/Laboratory Corporation of America, LabCorp
Classification: Uncertain significance. Last evaluated: 2024-08-28. Review status: criteria provided, single submitter. Criteria: LabCorp Variant Classification Summary - May 2015. Collection method: clinical testing. Allele origin: germline.
Comment: Variant summary: FMO3 c.112G>T (p.Gly38Trp) results in a non-conservative amino acid change in the encoded protein sequence. Five of five in-silico tools predict a damaging effect of the variant on protein function. The variant was absent in 251392 control chromosomes. The available data on variant occurrences in the general population are insufficient to allow any conclusion about variant significance. c.112G>T has been reported in the literature in at least one individual affected with Trimethylaminuria (e.g. Ferreira_2013). This report does not provide unequivocal conclusions about association of the variant with Trimethylaminuria. To our knowledge, no experimental evidence demonstrating an impact on protein function has been reported. No submitters have cited clinical-significance assessments for this variant to ClinVar. The following publication has been ascertained in the context of this evaluation (PMID: 23791655). Based on the evidence outlined above, the variant was classified as uncertain significance.

Literature cited by the submitters: PubMed 23791655.